The following is an entry in ClinVar:

ClinVar aggregate classification (germline): Uncertain significance (1 of 4 stars; one submission).

Conditions:
Usher syndrome type 3B. Also called: USHER SYNDROME, TYPE IIIB. Identifiers: MedGen C3281066, MONDO:0013788, OMIM 614504.

Allele frequency attached by ClinVar (database versions not stated): ExAC 0.00001; gnomAD 0.00001; gnomAD exomes 0.00001 and 0.00002; TOPMed 0.00002; ESP Exome Variant Server 0.00008.
gnomAD v4.1: 25 of 1,613,888 alleles (0.0015%); highest among the groups gnomAD compares: Non-Finnish European, 0.0019%; no homozygotes.

Submission:

Labcorp Genetics (formerly Invitae), Labcorp
Classification: Uncertain significance for Usher syndrome type 3B. Last evaluated: 2022-02-10. Review status: criteria provided, single submitter. Criteria: Invitae Variant Classification Sherloc (09022015). Collection method: clinical testing. Allele origin: germline.
Comment: Variants that disrupt the consensus splice site are a relatively common cause of aberrant splicing (PMID: 17576681, 9536098). Algorithms developed to predict the effect of sequence changes on RNA splicing suggest that this variant is not likely to affect RNA splicing. ClinVar contains an entry for this variant (Variation ID: 566059). This variant has not been reported in the literature in individuals affected with HARS-related conditions. This variant is present in population databases (rs370189312, gnomAD 0.002%). This sequence change falls in intron 10 of the HARS gene. It does not directly change the encoded amino acid sequence of the HARS protein. It affects a nucleotide within the consensus splice site. In summary, the available evidence is currently insufficient to determine the role of this variant in disease. Therefore, it has been classified as a Variant of Uncertain Significance.

Literature cited by the submitters: PubMed 17576681; PubMed 9536098.

NM_002109.6(HARS1):c.1194+4G>A

Gene: HARS1 (histidyl-tRNA synthetase 1; minus strand). Cytogenetic location: 5q31.3.
Variant type: single nucleotide variant.
Coding change: c.1194+4G>A on transcript NM_002109.6 (MANE Select); 4 bases into the intron after coding-DNA position 1194, G replaced by A.
Molecular consequence: intron variant.
Genome position (GRCh38, 1-based): chr5:140,676,650, C>T on the plus strand (G>A on the coding strand, the complement: HARS1 is on the minus strand). VCF-style: chr5-140676650-C-T. GRCh37 (hg19) VCF-style: chr5-140056235-C-T.
Other names: c.1107+4G>A (NM_001289094.2); c.852+4G>A (NM_001289093.2); c.1014+4G>A (NM_001258042.3); c.1074+4G>A (NM_001258040.3); c.972+4G>A (NM_001289092.2); c.1134+4G>A (NM_001258041.3).
Identifiers: ClinVar variation 566059 (VCV000566059.11), dbSNP rs370189312, ClinGen allele CA3443902.
Genomic context (GRCh38, chr5:140,676,650, plus strand): 5'-AGATCAGATAGCTTAGGTGCCACCACCTGCTCAGACTATCTTCTACCTACCTCCTAGGAC[C>T]TACCTCTAGTCTCTGTTCCACGATGGAGAAAATCCGCTCCACCCCAATGCTGAGCCCCAC-3'